The following is an entry in ClinVar:

ClinVar aggregate classification (germline): Conflicting classifications of pathogenicity. Review status: criteria provided, conflicting classifications (1 of 4 stars). 3 submissions from 3 submitters: Uncertain significance (2); Likely benign (1). Last evaluated 2025-06-05.

Conditions:
Hereditary cancer-predisposing syndrome. Also called: Neoplastic Syndromes, Hereditary; Hereditary Cancer Syndrome; Tumor predisposition; Hereditary neoplastic syndrome. Identifiers: Orphanet 140162, MedGen C0027672, MeSH D009386, MONDO:0015356.
BAP1-related tumor predisposition syndrome (TPDS1). Also called: COMMON Syndrome; Tumor susceptibility linked to germline BAP1 mutations; TUMOR PREDISPOSITION SYNDROME 1; BAP1 tumor predisposition syndrome. Identifiers: Orphanet 289539, MedGen C3280492, MONDO:0013692, OMIM 614327.

Allele frequency attached by ClinVar (database versions not stated): gnomAD 0.00001; TOPMed 0.00001.
gnomAD v4.1: 3 of 1,598,050 alleles (0.00019%); highest among the groups gnomAD compares: Non-Finnish European, 0.00026%; no homozygotes.

Submissions (3):

Labcorp Genetics (formerly Invitae), Labcorp
Classification: Uncertain significance for BAP1-related tumor predisposition syndrome. Last evaluated: 2025-06-05. Review status: criteria provided, single submitter. Criteria: Invitae Variant Classification Sherloc (09022015). Collection method: clinical testing. Allele origin: germline.
Comment: This sequence change replaces arginine, which is basic and polar, with histidine, which is basic and polar, at codon 722 of the BAP1 protein (p.Arg722His). This variant is present in population databases (no rsID available, gnomAD 0.0009%). This variant has not been reported in the literature in individuals affected with BAP1-related conditions. ClinVar contains an entry for this variant (Variation ID: 854263). Invitae Evidence Modeling of protein sequence and biophysical properties (such as structural, functional, and spatial information, amino acid conservation, physicochemical variation, residue mobility, and thermodynamic stability) indicates that this missense variant is expected to disrupt BAP1 protein function with a positive predictive value of 80%. In summary, the available evidence is currently insufficient to determine the role of this variant in disease. Therefore, it has been classified as a Variant of Uncertain Significance.

Ambry Genetics
Classification: Likely benign for Hereditary cancer-predisposing syndrome. Last evaluated: 2025-06-02. Review status: criteria provided, single submitter. Criteria: Ambry Variant Classification Scheme 2023. Collection method: clinical testing. Allele origin: germline.

Color Diagnostics, LLC DBA Color Health
Classification: Uncertain significance for Hereditary cancer-predisposing syndrome. Last evaluated: 2024-02-20. Review status: criteria provided, single submitter. Criteria: ACMG Guidelines, 2015. Collection method: clinical testing. Allele origin: germline.
Comment: This missense variant replaces arginine with histidine at codon 722 of the BAP1 protein. Computational prediction suggests that this variant may not impact protein structure and function. To our knowledge, functional studies have not been reported for this variant. This variant has not been reported in individuals affected with BAP1-related disorders in the literature. This variant has been identified in 1/31394 chromosomes in the general population by the Genome Aggregation Database (gnomAD). The available evidence is insufficient to determine the role of this variant in disease conclusively. Therefore, this variant is classified as a Variant of Uncertain Significance.

Literature cited by the submitters: PubMed 38969833 (cited by Ambry Genetics).

NM_004656.4(BAP1):c.2165G>A (p.Arg722His)

Gene: BAP1 (BRCA1 associated deubiquitinase 1; minus strand). Cytogenetic location: 3p21.1.
Variant type: single nucleotide variant.
Coding change: c.2165G>A on transcript NM_004656.4 (MANE Select); coding-DNA position 2165, G replaced by A.
Protein change: p.Arg722His; replaces arginine 722 with histidine.
Molecular consequence: missense variant.
Genome position (GRCh38, 1-based): chr3:52,402,313, C>T on the plus strand (G>A on the coding strand, the complement: BAP1 is on the minus strand). VCF-style: chr3-52402313-C-T. GRCh37 (hg19) VCF-style: chr3-52436329-C-T.
Other names: short protein forms R722H.
Identifiers: ClinVar variation 854263 (VCV000854263.11), dbSNP rs1272136993, ClinGen allele CA353093998.